The following is an entry in ClinVar:

ClinVar aggregate classification (germline): Benign (1 of 4 stars; one submission).

Conditions:
Renal tubular dysgenesis. Also called: Renotubular dysgenesis. Identifiers: Orphanet 3033, MedGen C0266313, MONDO:0017609, HP:0008660.

Allele frequency attached by ClinVar (database versions not stated): gnomAD 0.00520 and 0.00555; TOPMed 0.00611; 1000 Genomes Project 0.00499; 1000 Genomes Project 30x 0.00500.

Submission:

Illumina Laboratory Services, Illumina
Classification: Benign for Renal tubular dysgenesis of genetic origin. Last evaluated: 2017-06-30. Review status: criteria provided, single submitter. Criteria: ICSL Variant Classification Criteria 13 December 2019. Collection method: clinical testing. Allele origin: germline.
Comment: This variant was observed as part of a predisposition screen in an ostensibly healthy population. A literature search was performed for the gene, cDNA change, and amino acid change (where applicable). No publications were found based on this search. Allele frequency data from public databases was too high to be consistent with this variant causing disease. Therefore, this variant is classified as benign.

NM_000789.4(ACE):c.*894G>A

Gene: ACE (angiotensin I converting enzyme; plus strand). Cytogenetic location: 17q23.3.
Variant type: single nucleotide variant.
Coding change: c.*894G>A on transcript NM_000789.4 (MANE Select); 894 bases downstream of the stop codon, G replaced by A.
Molecular consequence: 3 prime UTR variant.
Genome position (GRCh38, 1-based): chr17:63,498,260, G>A. VCF-style: chr17-63498260-G-A. GRCh37 (hg19) VCF-style: chr17-61575621-G-A.
Other names: c.*894G>A (NM_001178057.2, NM_152830.3).
Identifiers: ClinVar variation 891270 (VCV000891270.4), dbSNP rs78716020, ClinGen allele CA292890964.